The following is an entry in ClinVar:

ClinVar aggregate classification (germline): Uncertain significance. Review status: criteria provided, multiple submitters, no conflicts (2 of 4 stars). 2 submissions from 2 submitters: Uncertain significance (2). Last evaluated 2025-06-24.

Conditions:
Familial focal epilepsy with variable foci (FPEVF). Identifiers: Orphanet 98820, MedGen C1858477, MONDO:0020310.

Allele frequency attached by ClinVar (database versions not stated): TOPMed below 0.00001.

Submissions (2):

Labcorp Genetics (formerly Invitae), Labcorp
Classification: Uncertain significance for Familial focal epilepsy with variable foci. Last evaluated: 2025-06-24. Review status: criteria provided, single submitter. Criteria: Invitae Variant Classification Sherloc (09022015). Collection method: clinical testing. Allele origin: germline.
Comment: This sequence change replaces alanine, which is neutral and non-polar, with valine, which is neutral and non-polar, at codon 666 of the DEPDC5 protein (p.Ala666Val). This variant is not present in population databases (gnomAD no frequency). This variant has not been reported in the literature in individuals affected with DEPDC5-related conditions. ClinVar contains an entry for this variant (Variation ID: 1054600). Experimental studies and prediction algorithms are not available or were not evaluated, and the functional significance of this variant is currently unknown. In summary, the available evidence is currently insufficient to determine the role of this variant in disease. Therefore, it has been classified as a Variant of Uncertain Significance.

Blueprint Genetics
Classification: Uncertain significance. Last evaluated: 2019-07-25. Review status: criteria provided, single submitter. Criteria: ACMG Guidelines, 2015. Collection method: clinical testing. Allele origin: germline.

NM_001242896.3(DEPDC5):c.1997C>T (p.Ala666Val)

Gene: DEPDC5 (DEP domain containing 5, GATOR1 subcomplex subunit; plus strand). Cytogenetic location: 22q12.3.
Variant type: single nucleotide variant.
Coding change: c.1997C>T on transcript NM_001242896.3 (MANE Select); coding-DNA position 1997, C replaced by T.
Protein change: p.Ala666Val; replaces alanine 666 with valine.
Molecular consequence: missense variant. On other transcripts: non-coding transcript variant (4), intron variant (3).
Genome position (GRCh38, 1-based): chr22:31,821,628, C>T. VCF-style: chr22-31821628-C-T. GRCh37 (hg19) VCF-style: chr22-32217614-C-T.
Other names: c.1997C>T, p.Ala666Val (NM_001136029.4, NM_001363852.2, NM_001364318.2 and 3 more transcripts); c.1913C>T, p.Ala638Val (NM_001369901.1, NM_001369902.1); c.1870+2403C>T (NM_001363854.2, NM_001242897.2, NM_001364319.2); short protein forms A638V, A666V.
Identifiers: ClinVar variation 1054600 (VCV001054600.10), dbSNP rs2089707651, ClinGen allele CA411282170.